The following is an entry in ClinVar:

ClinVar aggregate classification (germline): Uncertain significance. Review status: criteria provided, multiple submitters, no conflicts (2 of 4 stars). 2 submissions from 2 submitters: Uncertain significance (2). Last evaluated 2026-09-11.

Conditions:
T-cell immunodeficiency, congenital alopecia, and nail dystrophy. Also called: Congenital alopecia and nail dystrophy associated with severe functional T-cell immunodeficiency; Pignata Guarino syndrome. Identifiers: Orphanet 169095, MedGen C1866426, MONDO:0011132, OMIM 601705.
Inborn genetic diseases. Identifiers: MedGen C0950123, MeSH D030342.

Submissions (2):

Ambry Genetics
Classification: Uncertain significance for Inborn genetic diseases. Last evaluated: 2026-09-11. Review status: criteria provided, single submitter. Criteria: Ambry Variant Classification Scheme 2023. Collection method: clinical testing. Allele origin: germline.

Labcorp Genetics (formerly Invitae), Labcorp
Classification: Uncertain significance for T-cell immunodeficiency, congenital alopecia, and nail dystrophy. Last evaluated: 2024-05-01. Review status: criteria provided, single submitter. Criteria: Invitae Variant Classification Sherloc (09022015). Collection method: clinical testing. Allele origin: germline.
Comment: This sequence change replaces leucine, which is neutral and non-polar, with proline, which is neutral and non-polar, at codon 525 of the FOXN1 protein (p.Leu525Pro). This variant is not present in population databases (gnomAD no frequency). This variant has not been reported in the literature in individuals affected with FOXN1-related conditions. Advanced modeling of protein sequence and biophysical properties (such as structural, functional, and spatial information, amino acid conservation, physicochemical variation, residue mobility, and thermodynamic stability) performed at Invitae indicates that this missense variant is not expected to disrupt FOXN1 protein function with a negative predictive value of 80%. In summary, the available evidence is currently insufficient to determine the role of this variant in disease. Therefore, it has been classified as a Variant of Uncertain Significance.

NM_001369369.1(FOXN1):c.1574T>C (p.Leu525Pro)

Gene: FOXN1 (forkhead box N1; plus strand). Cytogenetic location: 17q11.2.
Variant type: single nucleotide variant.
Coding change: c.1574T>C on transcript NM_001369369.1 (MANE Select); coding-DNA position 1574, T replaced by C.
Protein change: p.Leu525Pro; replaces leucine 525 with proline.
Molecular consequence: missense variant.
Genome position (GRCh38, 1-based): chr17:28,535,145, T>C. VCF-style: chr17-28535145-T-C. GRCh37 (hg19) VCF-style: chr17-26862163-T-C.
Other names: c.1574T>C, p.Leu525Pro (NM_003593.3); short protein forms L525P.
Identifiers: ClinVar variation 3689436 (VCV003689436.3).